The following is an entry in ClinVar:

NM_001104631.2(PDE4D):c.356G>C (p.Arg119Pro)

Gene: PDE4D (phosphodiesterase 4D; minus strand). Cytogenetic location: 5q12.1.
Variant type: single nucleotide variant.
Coding change: c.356G>C on transcript NM_001104631.2 (MANE Select); coding-DNA position 356, G replaced by C.
Protein change: p.Arg119Pro; replaces arginine 119 with proline.
Molecular consequence: missense variant. On other transcripts: intron variant (5).
Genome position (GRCh38, 1-based): chr5:59,893,267, C>G on the plus strand (G>C on the coding strand, the complement: PDE4D is on the minus strand). VCF-style: chr5-59893267-C-G. GRCh37 (hg19) VCF-style: chr5-59189094-C-G.
Other names: c.272+95221G>C (NM_001165899.2, NM_001364600.2, NM_001364599.1); c.-240+95221G>C (NM_001349243.2); c.242+95221G>C (NM_001349241.2); short protein forms R119P.
Identifiers: ClinVar variation 3661402 (VCV003661402.2).

ClinVar aggregate classification (germline): Uncertain significance (1 of 4 stars; one submission).

gnomAD v4.1: 13 of 1,551,280 alleles (0.00084%); highest among the groups gnomAD compares: African/African-American, 0.015%; no homozygotes.

Submission:

Labcorp Genetics (formerly Invitae), Labcorp
Classification: Uncertain significance. Last evaluated: 2025-04-17. Review status: criteria provided, single submitter. Criteria: Invitae Variant Classification Sherloc (09022015). Collection method: clinical testing. Allele origin: germline.
Comment: This sequence change replaces arginine, which is basic and polar, with proline, which is neutral and non-polar, at codon 119 of the PDE4D protein (p.Arg119Pro). This variant is present in population databases (no rsID available, gnomAD 0.03%). This variant has not been reported in the literature in individuals affected with PDE4D-related conditions. ClinVar contains an entry for this variant (Variation ID: 3661402). An algorithm developed to predict the effect of missense changes on protein structure and function (PolyPhen-2) suggests that this variant is likely to be tolerated. In summary, the available evidence is currently insufficient to determine the role of this variant in disease. Therefore, it has been classified as a Variant of Uncertain Significance.